The following is an entry in ClinVar:

NM_199420.4(POLQ):c.6976A>G (p.Ile2326Val)

Gene: POLQ (DNA polymerase theta; minus strand). Cytogenetic location: 3q13.33.
Variant type: single nucleotide variant.
Coding change: c.6976A>G on transcript NM_199420.4 (MANE Select); coding-DNA position 6976, A replaced by G.
Protein change: p.Ile2326Val; replaces isoleucine 2326 with valine.
Molecular consequence: missense variant.
Genome position (GRCh38, 1-based): chr3:121,460,226, T>C on the plus strand (A>G on the coding strand, the complement: POLQ is on the minus strand). VCF-style: chr3-121460226-T-C. GRCh37 (hg19) VCF-style: chr3-121179073-T-C.
Other names: short protein forms I2326V.
Identifiers: ClinVar variation 2497164 (VCV002497164.2), dbSNP rs1405780437, ClinGen allele CA354107914.

ClinVar aggregate classification (germline): Uncertain significance (1 of 4 stars; one submission).

Allele frequency attached by ClinVar (database versions not stated): gnomAD exomes below 0.00001; gnomAD 0.00001.
gnomAD v4.1: 3 of 1,611,078 alleles (0.00019%); highest among the groups gnomAD compares: East Asian, 0.0022%; no homozygotes.

Submission:

Ambry Genetics
Classification: Uncertain significance. Last evaluated: 2023-02-24. Review status: criteria provided, single submitter. Criteria: Ambry Variant Classification Scheme 2023. Collection method: clinical testing. Allele origin: germline.
Comment: The p.I2326V variant (also known as c.6976A>G), located in coding exon 25 of the POLQ gene, results from an A to G substitution at nucleotide position 6976. The isoleucine at codon 2326 is replaced by valine, an amino acid with highly similar properties. This amino acid position is conserved. In addition, the in silico prediction for this alteration is inconclusive. Since supporting evidence is limited at this time, the clinical significance of this alteration remains unclear.